The following is an entry in ClinVar:

ClinVar aggregate classification (germline): Likely benign (0 of 4 stars; one submission).

Conditions:
SLC16A1-related disorder. Also called: SLC16A1-related disorders; SLC16A1-related condition.

Allele frequency attached by ClinVar (database versions not stated): gnomAD 0.00001; TOPMed 0.00001; ExAC 0.00004.
gnomAD v4.1: 17 of 1,612,092 alleles (0.0011%); highest among the groups gnomAD compares: East Asian, 0.018%; no homozygotes.

Submission:

PreventionGenetics, part of Exact Sciences
Classification: Likely benign for SLC16A1-related condition. Last evaluated: 2022-05-11. Review status: no assertion criteria provided. Collection method: clinical testing. Allele origin: germline.
Comment: This variant is classified as likely benign based on ACMG/AMP sequence variant interpretation guidelines (Richards et al. 2015 PMID: 25741868, with internal and published modifications).

NM_003051.4(SLC16A1):c.-9A>G

Gene: SLC16A1 (solute carrier family 16 member 1; minus strand). Cytogenetic location: 1p13.2.
Variant type: single nucleotide variant.
Coding change: c.-9A>G on transcript NM_003051.4 (MANE Select); 9 bases upstream of the start codon, A replaced by G.
Molecular consequence: 5 prime UTR variant.
Genome position (GRCh38, 1-based): chr1:112,929,317, T>C on the plus strand (A>G on the coding strand, the complement: SLC16A1 is on the minus strand). VCF-style: chr1-112929317-T-C. GRCh37 (hg19) VCF-style: chr1-113471939-T-C.
Other names: c.-9A>G (NM_001166496.2).
Identifiers: ClinVar variation 3048423 (VCV003048423.2), dbSNP rs199553960, ClinGen allele CA1011542.